The following is an entry in ClinVar:

ClinVar aggregate classification (germline): Uncertain significance (1 of 4 stars; one submission).

Submission:

Labcorp Genetics (formerly Invitae), Labcorp
Classification: Uncertain significance. Last evaluated: 2023-04-07. Review status: criteria provided, single submitter. Criteria: Invitae Variant Classification Sherloc (09022015). Collection method: clinical testing. Allele origin: germline.
Comment: In summary, the available evidence is currently insufficient to determine the role of this variant in disease. Therefore, it has been classified as a Variant of Uncertain Significance. An algorithm developed to predict the effect of missense changes on protein structure and function (PolyPhen-2) suggests that this variant is likely to be disruptive. This variant has not been reported in the literature in individuals affected with IMPG1-related conditions. This variant is not present in population databases (gnomAD no frequency). This sequence change replaces serine, which is neutral and polar, with phenylalanine, which is neutral and non-polar, at codon 71 of the IMPG1 protein (p.Ser71Phe).

NM_001563.4(IMPG1):c.212C>T (p.Ser71Phe)

Gene: IMPG1 (interphotoreceptor matrix proteoglycan 1; minus strand). Cytogenetic location: 6q14.1.
Variant type: single nucleotide variant.
Coding change: c.212C>T on transcript NM_001563.4 (MANE Select); coding-DNA position 212, C replaced by T.
Protein change: p.Ser71Phe; replaces serine 71 with phenylalanine.
Molecular consequence: missense variant. On other transcripts: intron variant (1).
Genome position (GRCh38, 1-based): chr6:76,041,982, G>A on the plus strand (C>T on the coding strand, the complement: IMPG1 is on the minus strand). VCF-style: chr6-76041982-G-A. GRCh37 (hg19) VCF-style: chr6-76751699-G-A.
Other names: c.68-7195C>T (NM_001282368.2); short protein forms S71F.
Identifiers: ClinVar variation 2853416 (VCV002853416.3), dbSNP rs2481539044, ClinGen allele CA364829722.